The following is an entry in ClinVar:

ClinVar aggregate classification (germline): Uncertain significance (1 of 4 stars; one submission).

Conditions:
Hereditary cancer-predisposing syndrome. Also called: Neoplastic Syndromes, Hereditary; Tumor predisposition; Hereditary Cancer Syndrome; Hereditary neoplastic syndrome. Identifiers: Orphanet 140162, MedGen C0027672, MeSH D009386, MONDO:0015356.

gnomAD v4.1: 1 of 1,614,102 alleles (0.000062%); highest among the groups gnomAD compares: Non-Finnish European, 0.000085%; no homozygotes.

Submission:

Ambry Genetics
Classification: Uncertain significance for Hereditary cancer-predisposing syndrome. Last evaluated: 2024-11-03. Review status: criteria provided, single submitter. Criteria: Ambry Variant Classification Scheme 2023. Collection method: clinical testing. Allele origin: germline.
Comment: The p.A252S variant (also known as c.754G>T), located in coding exon 8 of the POLE gene, results from a G to T substitution at nucleotide position 754. The alanine at codon 252 is replaced by serine, an amino acid with similar properties. This amino acid position is conserved. In addition, this alteration is predicted to be tolerated by in silico analysis. Based on the available evidence, the clinical significance of this variant remains unclear.

NM_006231.4(POLE):c.754G>T (p.Ala252Ser)

Gene: POLE (DNA polymerase epsilon, catalytic subunit; minus strand). Cytogenetic location: 12q24.33.
Variant type: single nucleotide variant.
Coding change: c.754G>T on transcript NM_006231.4 (MANE Select); coding-DNA position 754, G replaced by T.
Protein change: p.Ala252Ser; replaces alanine 252 with serine.
Molecular consequence: missense variant.
Genome position (GRCh38, 1-based): chr12:132,677,410, C>A on the plus strand (G>T on the coding strand, the complement: POLE is on the minus strand). VCF-style: chr12-132677410-C-A. GRCh37 (hg19) VCF-style: chr12-133253996-C-A.
Other names: short protein forms A252S.
Identifiers: ClinVar variation 3422215 (VCV003422215.1).